The following is an entry in ClinVar:

ClinVar aggregate classification (germline): Benign. Review status: criteria provided, multiple submitters, no conflicts (2 of 4 stars). 17 submissions from 15 submitters: Benign (11). 6 of the submissions do not count toward it. Last evaluated 2026-02-04.

Conditions:
Hydrolethalus syndrome 2 (HLS2). Identifiers: Orphanet 2189, MedGen C3279899, MONDO:0013585, OMIM 614120.
Acrocallosal syndrome (ACLS). Also called: HALLUX DUPLICATION, POSTAXIAL POLYDACTYLY, AND ABSENCE OF CORPUS CALLOSUM; Schinzel syndrome 1; Absence of corpus callosum with unusual facial appearance, mental deficiency, duplication of the halluces and polydactyly. Identifiers: Orphanet 36, MedGen C0796147, MONDO:0008708, OMIM 200990.
Multiple epiphyseal dysplasia, Al-Gazali type. Also called: Macrocephaly with multiple epiphyseal dysplasia and distinctive facies. Identifiers: Orphanet 166024, MedGen C1846722, MONDO:0011778, OMIM 607131.

Allele frequency attached by ClinVar (database versions not stated): 1000 Genomes Project 0.86022; 1000 Genomes Project 30x 0.86587; TOPMed 0.89814; gnomAD exomes 0.90462; ESP Exome Variant Server 0.92563.
gnomAD v4.1: 1,403,319 of 1,551,594 alleles (90%); highest among the groups gnomAD compares: African/African-American, 96%; 636,685 homozygotes.

Submissions (17):

Labcorp Genetics (formerly Invitae), Labcorp
Classification: Benign for Acrocallosal syndrome. Last evaluated: 2026-02-04. Review status: criteria provided, single submitter. Criteria: Invitae Variant Classification Sherloc (09022015). Collection method: clinical testing. Allele origin: germline.

Blueprint Genetics
Classification: Benign. Last evaluated: 2024-11-28. Review status: criteria provided, single submitter. Criteria: ACMG Guidelines, 2015. Collection method: clinical testing. Allele origin: germline.

Mayo Clinic Laboratories, Mayo Clinic
Classification: Benign. Last evaluated: 2022-03-09. Review status: criteria provided, single submitter. Criteria: ACMG Guidelines, 2015. Collection method: clinical testing. Allele origin: germline. Observed: 75 variant alleles.

Genome-Nilou Lab
Classification: Benign for Multiple epiphyseal dysplasia, Al-Gazali type. Last evaluated: 2021-08-19. Review status: criteria provided, single submitter. Criteria: ACMG Guidelines, 2015. Collection method: clinical testing. Allele origin: germline. Affected: no.

Genome-Nilou Lab
Classification: Benign for Hydrolethalus syndrome 2. Last evaluated: 2021-08-19. Review status: criteria provided, single submitter. Criteria: ACMG Guidelines, 2015. Collection method: clinical testing. Allele origin: germline. Affected: no.

Genome-Nilou Lab
Classification: Benign for Acrocallosal syndrome. Last evaluated: 2021-08-19. Review status: criteria provided, single submitter. Criteria: ACMG Guidelines, 2015. Collection method: clinical testing. Allele origin: germline. Affected: no.

Illumina Laboratory Services, Illumina
Classification: Benign for Acrocallosal syndrome. Last evaluated: 2018-01-13. Review status: criteria provided, single submitter. Criteria: ICSL Variant Classification Criteria 13 December 2019. Collection method: clinical testing. Allele origin: germline.
Comment: This variant was observed in the ICSL laboratory as part of a predisposition screen in an ostensibly healthy population. It had not been previously curated by ICSL or reported in the Human Gene Mutation Database (HGMD: prior to June 1st, 2018), and was therefore a candidate for classification through an automated scoring system. Utilizing variant allele frequency, disease prevalence and penetrance estimates, and inheritance mode, an automated score was calculated to assess if this variant is too frequent to cause the disease. Based on the score and internal cut-off values, a variant classified as benign is not then subjected to further curation. The score for this variant resulted in a classification of benign for this disease.

GeneDx
Classification: Benign. Last evaluated: 2015-03-03. Review status: criteria provided, single submitter. Criteria: GeneDx Variant Classification Process June 2021. Collection method: clinical testing. Allele origin: germline. Affected: yes.

Eurofins Ntd Llc (ga)
Classification: Benign. Last evaluated: 2014-04-25. Review status: criteria provided, single submitter. Criteria: EGL Classification Definitions 2015. Collection method: clinical testing. Allele origin: germline. Observed: 4 variant alleles, 1 heterozygote, 3 homozygotes.

Breakthrough Genomics
Classification: Benign. Review status: criteria provided, single submitter. Criteria: ACMG Guidelines, 2015. Collection method: not provided. Allele origin: germline. Inheritance: Autosomal recessive inheritance. Affected: yes.

PreventionGenetics, part of Exact Sciences
Classification: Benign. Review status: criteria provided, single submitter. Criteria: ACMG Guidelines, 2015. Collection method: clinical testing. Allele origin: germline.

Clinical Genetics DNA and cytogenetics Diagnostics Lab, Erasmus MC, Erasmus Medical Center
Classification: Benign. Review status: no assertion criteria provided. Collection method: clinical testing. Allele origin: germline. Affected: yes. Study: VKGL Data-share Consensus. Not counted in ClinVar's aggregate classification.

Clinical Genetics, Academic Medical Center
Classification: Benign. Review status: no assertion criteria provided. Collection method: clinical testing. Allele origin: germline. Affected: yes. Study: VKGL Data-share Consensus. Not counted in ClinVar's aggregate classification.

Diagnostic Laboratory, Department of Genetics, University Medical Center Groningen
Classification: Benign. Review status: no assertion criteria provided. Collection method: clinical testing. Allele origin: germline. Affected: yes. Study: VKGL Data-share Consensus. Not counted in ClinVar's aggregate classification.

Genetic Services Laboratory, University of Chicago
Classification: Likely benign for AllHighlyPenetrant. Review status: no assertion criteria provided. Collection method: clinical testing. Allele origin: germline. Inheritance: Autosomal recessive inheritance. Not counted in ClinVar's aggregate classification.
Comment: Likely benign based on allele frequency in 1000 Genomes Project or ESP global frequency and its presence in a patient with a rare or unrelated disease phenotype. NOT Sanger confirmed.

Genome Diagnostics Laboratory, University Medical Center Utrecht
Classification: Benign. Review status: no assertion criteria provided. Collection method: clinical testing. Allele origin: germline. Affected: yes. Study: VKGL Data-share Consensus. Not counted in ClinVar's aggregate classification.

Joint Genome Diagnostic Labs from Nijmegen and Maastricht, Radboudumc and MUMC+
Classification: Benign. Review status: no assertion criteria provided. Collection method: clinical testing. Allele origin: germline. Affected: yes. Study: VKGL Data-share Consensus. Not counted in ClinVar's aggregate classification.

NM_198525.3(KIF7):c.195G>C (p.Ala65=)

Gene: KIF7 (kinesin family member 7; minus strand). Cytogenetic location: 15q26.1.
Variant type: single nucleotide variant.
Coding change: c.195G>C on transcript NM_198525.3 (MANE Select); coding-DNA position 195, G replaced by C.
Protein change: p.Ala65=; no amino-acid change (alanine 65 retained).
Molecular consequence: synonymous variant.
Genome position (GRCh38, 1-based): chr15:89,652,736, C>G on the plus strand (G>C on the coding strand, the complement: KIF7 is on the minus strand). VCF-style: chr15-89652736-C-G. GRCh37 (hg19) VCF-style: chr15-90195967-C-G.
Other names: p.Ala65=.
Identifiers: ClinVar variation 129408 (VCV000129408.37), dbSNP rs8179066, ClinGen allele CA020244.